The following is an entry in ClinVar:

ClinVar aggregate classification (germline): Uncertain significance (1 of 4 stars; one submission).

Submission:

Dasa
Classification: Uncertain significance. Last evaluated: 2025-02-11. Review status: criteria provided, single submitter. Criteria: DASA Assertion Criteria. Collection method: clinical testing. Allele origin: germline.
Comment: NM_182961.4(SYNE1):c.1073A>G (p.Tyr358Cys) is a missense variant that results in the substitution of tyrosine with cysteine. This variant is absent from population databases. The currently available literature and clinical evidence are not sufficient to establish a definitive association between this variant and the reported condition. Therefore, this variant is classified as a variant of uncertain significance.

NM_182961.4(SYNE1):c.1073A>G (p.Tyr358Cys)

Gene: SYNE1 (spectrin repeat containing nuclear envelope protein 1; minus strand). Cytogenetic location: 6q25.2.
Variant type: single nucleotide variant.
Coding change: c.1073A>G on transcript NM_182961.4 (MANE Select); coding-DNA position 1073, A replaced by G.
Protein change: p.Tyr358Cys; replaces tyrosine 358 with cysteine.
Molecular consequence: missense variant.
Genome position (GRCh38, 1-based): chr6:152,484,947, T>C on the plus strand (A>G on the coding strand, the complement: SYNE1 is on the minus strand). VCF-style: chr6-152484947-T-C. GRCh37 (hg19) VCF-style: chr6-152806082-T-C.
Other names: c.1094A>G, p.Tyr365Cys (NM_033071.5); short protein forms Y358C, Y365C.
Identifiers: ClinVar variation 4856863 (VCV004856863.2).